The following is an entry in ClinVar:

NM_001903.5(CTNNA1):c.175C>T (p.His59Tyr)

Gene: CTNNA1 (catenin alpha 1; plus strand). Cytogenetic location: 5q31.2.
Variant type: single nucleotide variant.
Coding change: c.175C>T on transcript NM_001903.5 (MANE Select); coding-DNA position 175, C replaced by T.
Protein change: p.His59Tyr; replaces histidine 59 with tyrosine.
Molecular consequence: missense variant. On other transcripts: 5 prime UTR variant (1), intron variant (1).
Genome position (GRCh38, 1-based): chr5:138,783,246, C>T. VCF-style: chr5-138783246-C-T. GRCh37 (hg19) VCF-style: chr5-138118935-C-T.
Other names: c.175C>T (NM_001903.2); c.175C>T, p.His59Tyr (NM_001290307.3, NM_001323982.2, NM_001323983.1 and 3 more transcripts); c.-32C>T (NM_001290310.3); c.-9+1217C>T (NM_001290309.3); short protein forms H59Y.
Identifiers: ClinVar variation 3615607 (VCV003615607.3).
Genomic context (GRCh38, chr5:138,783,246, plus strand): 5'-CTTGTAAACACCAATAGTAAAGGGCCCTCTAATAAGAAGAGAGGTCGTTCTAAGAAGGCC[C>T]ATGTTTTGGCTGCATCTGTTGAACAAGCAACTGAGAATTTCTTGGAGAAGGGGGATAAAA-3'
Protein context (NP_001894.2, residues 49-69): NKKRGRSKKA[His59Tyr]VLAASVEQAT

ClinVar aggregate classification (germline): Uncertain significance. Review status: criteria provided, multiple submitters, no conflicts (2 of 4 stars). 2 submissions from 2 submitters: Uncertain significance (2). Last evaluated 2024-12-21.

Conditions:
Hereditary cancer-predisposing syndrome. Also called: Hereditary Cancer Syndrome; Neoplastic Syndromes, Hereditary; Tumor predisposition; Hereditary neoplastic syndrome. Identifiers: Orphanet 140162, MedGen C0027672, MeSH D009386, MONDO:0015356.

Submissions (2):

Ambry Genetics
Classification: Uncertain significance for Hereditary cancer-predisposing syndrome. Last evaluated: 2024-12-21. Review status: criteria provided, single submitter. Criteria: Ambry Variant Classification Scheme 2023. Collection method: clinical testing. Allele origin: germline.
Comment: The p.H59Y variant (also known as c.175C>T), located in coding exon 2 of the CTNNA1 gene, results from a C to T substitution at nucleotide position 175. The histidine at codon 59 is replaced by tyrosine, an amino acid with similar properties. This amino acid position is conserved. In addition, the in silico prediction for this alteration is inconclusive. Based on the available evidence, the clinical significance of this variant remains unclear.

Labcorp Genetics (formerly Invitae), Labcorp
Classification: Uncertain significance. Last evaluated: 2024-02-03. Review status: criteria provided, single submitter. Criteria: Invitae Variant Classification Sherloc (09022015). Collection method: clinical testing. Allele origin: germline.
Comment: This sequence change replaces histidine, which is basic and polar, with tyrosine, which is neutral and polar, at codon 59 of the CTNNA1 protein (p.His59Tyr). This variant is not present in population databases (gnomAD no frequency). This variant has not been reported in the literature in individuals affected with CTNNA1-related conditions. Advanced modeling of protein sequence and biophysical properties (such as structural, functional, and spatial information, amino acid conservation, physicochemical variation, residue mobility, and thermodynamic stability) performed at Invitae indicates that this missense variant is not expected to disrupt CTNNA1 protein function with a negative predictive value of 80%. In summary, the available evidence is currently insufficient to determine the role of this variant in disease. Therefore, it has been classified as a Variant of Uncertain Significance.